The following is an entry in ClinVar:

NM_177438.3(DICER1):c.4960_4961dup (p.Asp1654fs)

Gene: DICER1 (dicer 1, ribonuclease III; minus strand). Cytogenetic location: 14q32.13.
Variant type: Duplication.
Coding change: c.4960_4961dup on transcript NM_177438.3 (MANE Select); coding-DNA positions 4960 to 4961, 2 bases duplicated (GA; older notation c.4960_4961dupGA).
Protein change: p.Asp1654fs; shifts the reading frame from aspartic acid 1654.
Molecular consequence: frameshift variant.
Genome position (GRCh38, 1-based): chr14:95,095,959-95,095,960, TC duplicated on the plus strand (GA on the coding strand, the reverse complement: DICER1 is on the minus strand); duplicating any 2 consecutive bases within chr14:95,095,959-95,095,961 gives the same sequence; the c. name uses the placement nearest the transcript's 3' end. VCF-style (leftmost placement, unchanged base first): chr14-95095958-A-ATC. GRCh37 (hg19) VCF-style: chr14-95562295-A-ATC.
Other names: c.4960_4961dupGA (NM_177438.2); c.4960_4961dup, p.Asp1654fs (NM_001195573.1, NM_001271282.3, NM_001291628.2 and 1 more transcripts); short protein forms D1654fs.
Identifiers: ClinVar variation 254340 (VCV000254340.12), dbSNP rs886037720, ClinGen allele CA10586410.

ClinVar aggregate classification (germline): Pathogenic. Review status: criteria provided, multiple submitters, no conflicts (2 of 4 stars). 4 submissions from 4 submitters: Pathogenic (4). Last evaluated 2025-05-04.

Conditions:
DICER1-related tumor predisposition. Also called: DICER1 syndrome; DICER1-related pleuropulmonary blastoma cancer predisposition syndrome. Identifiers: Orphanet 284343, MedGen C3839822, MONDO:0100216.
Hereditary cancer-predisposing syndrome. Also called: Tumor predisposition; Hereditary Cancer Syndrome; Neoplastic Syndromes, Hereditary; Hereditary neoplastic syndrome. Identifiers: Orphanet 140162, MedGen C0027672, MeSH D009386, MONDO:0015356.

Submissions (4):

Labcorp Genetics (formerly Invitae), Labcorp
Classification: Pathogenic for DICER1-related tumor predisposition. Last evaluated: 2025-05-04. Review status: criteria provided, single submitter. Criteria: Invitae Variant Classification Sherloc (09022015). Collection method: clinical testing. Allele origin: germline.
Comment: This sequence change creates a premature translational stop signal (p.Asp1654Glufs*7) in the DICER1 gene. It is expected to result in an absent or disrupted protein product. Loss-of-function variants in DICER1 are known to be pathogenic (PMID: 19556464, 21266384). This variant is not present in population databases (gnomAD no frequency). This premature translational stop signal has been observed in individual(s) with pleuropulmonary blastoma (PMID: 24909177). ClinVar contains an entry for this variant (Variation ID: 254340). For these reasons, this variant has been classified as Pathogenic.

Foulkes Cancer Genetics LDI, Lady Davis Institute for Medical Research
Classification: Pathogenic for Pleuropulmonary blastoma. Last evaluated: 2019-07-01. Review status: criteria provided, single submitter. Criteria: ACMG Guidelines, 2015. Collection method: curation. Allele origin: germline. Affected: yes. Observed: 3 variant alleles.
Comment: ACMG criteria met: PVS1, PM2, PP4

International Pleuropulmonary Blastoma Registry, Children's Hospitals and Clinics of Minnesota
Classification: Pathogenic for Pleuropulmonary blastoma. Last evaluated: 2014-11-10. Review status: criteria provided, single submitter. Criteria: Hill et al. (Science. 2009). Collection method: clinical testing. Allele origin: germline. Affected: yes. Study: PPB-DICER1 Genetic study.

Ambry Genetics
Classification: Pathogenic for Hereditary cancer-predisposing syndrome. Last evaluated: 2013-12-18. Review status: criteria provided, single submitter. Criteria: Ambry Autosomal Dominant and X-Linked criteria (10/2015). Collection method: clinical testing. Allele origin: germline. Observed: 1 variant allele.
Comment: Ã¢â‚¬â€¹The c.4960_4961dupGA pathogenic mutation, located in coding exon 22 of the DICER1 gene, results from a duplication of two nucleotides between positions 4960 and 4961, causing a translational frameshift with a predicted alternate stop codon. Since frameshifts are typically deleterious in nature, this alteration is interpreted as a disease-causing mutation (ACMG Recommendations for Standards for Interpretation and Reporting of Sequence Variations. Revision 2007. Genet Med. 2008;10:294).

Literature cited by the submitters: PubMed 19556464 (cited by Labcorp Genetics (formerly Invitae), Labcorp); PubMed 21266384 (cited by Labcorp Genetics (formerly Invitae), Labcorp); PubMed 24909177 (cited by Labcorp Genetics (formerly Invitae), Labcorp and Foulkes Cancer Genetics LDI, Lady Davis Institute for Medical Research); PubMed 26925222 (cited by Foulkes Cancer Genetics LDI, Lady Davis Institute for Medical Research and International Pleuropulmonary Blastoma Registry, Children's Hospitals and Clinics of Minnesota).